The following is an entry in ClinVar:

ClinVar aggregate classification (germline): Uncertain significance (1 of 4 stars; one submission).

Conditions:
Hyperekplexia 3 (HKPX3). Also called: HYPEREKPLEXIA 3, AUTOSOMAL RECESSIVE; HYPEREKPLEXIA 3, AUTOSOMAL DOMINANT. Identifiers: Orphanet 3197, MedGen C3553288, MONDO:0013827, OMIM 614618.

Allele frequency attached by ClinVar (database versions not stated): gnomAD exomes below 0.00001; TOPMed below 0.00001; gnomAD 0.00001.
gnomAD v4.1: 9 of 1,614,054 alleles (0.00056%); highest among the groups gnomAD compares: South Asian, 0.0022%; no homozygotes.

Submission:

Labcorp Genetics (formerly Invitae), Labcorp
Classification: Uncertain significance for Hyperekplexia 3. Last evaluated: 2022-08-22. Review status: criteria provided, single submitter. Criteria: Invitae Variant Classification Sherloc (09022015). Collection method: clinical testing. Allele origin: germline.
Comment: This sequence change replaces tryptophan, which is neutral and slightly polar, with arginine, which is basic and polar, at codon 700 of the SLC6A5 protein (p.Trp700Arg). This variant is present in population databases (no rsID available, gnomAD 0.003%). This variant has not been reported in the literature in individuals affected with SLC6A5-related conditions. ClinVar contains an entry for this variant (Variation ID: 1438314). Advanced modeling of protein sequence and biophysical properties (such as structural, functional, and spatial information, amino acid conservation, physicochemical variation, residue mobility, and thermodynamic stability) performed at Invitae indicates that this missense variant is not expected to disrupt SLC6A5 protein function. In summary, the available evidence is currently insufficient to determine the role of this variant in disease. Therefore, it has been classified as a Variant of Uncertain Significance.

NM_004211.5(SLC6A5):c.2098T>C (p.Trp700Arg)

Gene: SLC6A5 (solute carrier family 6 member 5; plus strand). Cytogenetic location: 11p15.1.
Variant type: single nucleotide variant.
Coding change: c.2098T>C on transcript NM_004211.5 (MANE Select); coding-DNA position 2098, T replaced by C.
Protein change: p.Trp700Arg; replaces tryptophan 700 with arginine.
Molecular consequence: missense variant.
Genome position (GRCh38, 1-based): chr11:20,652,316, T>C. VCF-style: chr11-20652316-T-C. GRCh37 (hg19) VCF-style: chr11-20673862-T-C.
Other names: c.1396T>C, p.Trp466Arg (NM_001318369.2); short protein forms W466R, W700R.
Identifiers: ClinVar variation 1438314 (VCV001438314.8), dbSNP rs1334126263, ClinGen allele CA379915920.